The following is an entry in ClinVar:

ClinVar aggregate classification (germline): Pathogenic/Likely pathogenic. Review status: criteria provided, multiple submitters, no conflicts (2 of 4 stars). 2 submissions from 2 submitters: Pathogenic (1); Likely pathogenic (1). Last evaluated 2024-12-19.

Conditions:
Seckel syndrome. Also called: Microcephalic primordial dwarfism. Identifiers: Orphanet 324761, Orphanet 808, MedGen C0265202, MONDO:0019342.
Microcephalic Primordial Dwarfism with immunodeficiency.

Submissions (2):

Primary Immunodeficiency Research Lab, Ghent University
Classification: Likely pathogenic for Microcephalic Primordial Dwarfism with immunodeficiency. Last evaluated: 2024-12-19. Review status: criteria provided, single submitter. Criteria: ACMG Guidelines, 2015. Collection method: research. Allele origin: biparental. Inheritance: Autosomal recessive inheritance. Affected: yes.
Comment: Association of ATRIP deficiency with this phenotype was suggested in PMID: 23144622. The variant is not present in GnomAD V4.1.0 . In silico predictions suggested an effect on splicing. Deleterious effects of this variant are confirmed in a model cellular system.

Department of Medical Genetics, Sanjay Gandhi Post Graduate Institute of Medical Sciences
Classification: Pathogenic for Seckel syndrome. Review status: criteria provided, single submitter. Criteria: ACMG Guidelines, 2015. Collection method: research. Allele origin: germline. Inheritance: Autosomal recessive inheritance. Affected: yes. Observed: 1 homozygote.
Comment: Analysis of the exome sequencing data showed a novel homozygous sequence variant in ATRIP gene. This variant is predicted as Disease Causing by MutationTaster. This variant is not found in ExAC and 1000G databases.

Literature cited by the submitters: DOI 10.1101/2024.07.22.24310550 (cited by Primary Immunodeficiency Research Lab, Ghent University).

NM_130384.3(ATRIP):c.829+2T>G

Genes: ATRIP-TREX1 (ATRIP-TREX1 readthrough; plus strand), ATRIP (ATR interacting protein; plus strand). Cytogenetic location: 3p21.31.
Variant type: single nucleotide variant.
Coding change: c.829+2T>G on transcript NM_130384.3 (MANE Select); the canonical splice donor site of the intron after coding-DNA position 829, T replaced by G.
Molecular consequence: splice donor variant.
Genome position (GRCh38, 1-based): chr3:48,457,418, T>G. VCF-style: chr3-48457418-T-G. GRCh37 (hg19) VCF-style: chr3-48498818-T-G.
Other names: c.829+2T>G (NM_032166.4); c.448+2T>G (NM_001271022.2); c.550+2T>G (NM_001271023.2).
Identifiers: ClinVar variation 982310 (VCV000982310.3), dbSNP rs2107215447, ClinGen allele CA352716736.
Genomic context (GRCh38, chr3:48,457,418, plus strand): 5'-GTCCCTTCCCCACCCCTGCCAGACGGAGTCAGGATACAAGCCTCTGGTGGGCAGAGAGGG[T>G]AAGTCCATTAGTCATCTATTGATGTATAACAAGCTACCCAAATATGTGGCTTAAAACAAT-3'